The following is an entry in ClinVar:

NM_014989.7(RIMS1):c.2459G>A (p.Arg820His)

Gene: RIMS1 (regulating synaptic membrane exocytosis 1; plus strand). Cytogenetic location: 6q13.
Variant type: single nucleotide variant.
Coding change: c.2459G>A on transcript NM_014989.7 (MANE Select); coding-DNA position 2459, G replaced by A.
Protein change: p.Arg820His; replaces arginine 820 with histidine.
Molecular consequence: missense variant.
Genome position (GRCh38, 1-based): chr6:72,251,007, G>A. VCF-style: chr6-72251007-G-A. GRCh37 (hg19) VCF-style: chr6-72960710-G-A.
Other names: c.881G>A, p.Arg294His (NM_001168407.2, NM_001168408.2, NM_001350414.2 and 37 more transcripts); c.638G>A, p.Arg213His (NM_001168409.2, NM_001350461.2, NM_001350463.2 and 6 more transcripts); c.836G>A, p.Arg279His (NM_001168410.2, NM_001350470.2, NM_001350472.2 and 2 more transcripts); c.812G>A, p.Arg271His (NM_001350421.2, NM_001350424.2, NM_001350428.2 and 6 more transcripts); short protein forms R820H, R271H, R213H, R279H, R294H.
Identifiers: ClinVar variation 4168 (VCV000004168.14), dbSNP rs121918302, ClinGen allele CA116672.

ClinVar aggregate classification (germline): Conflicting classifications of pathogenicity. Review status: criteria provided, conflicting classifications (1 of 4 stars). 4 submissions from 4 submitters: Pathogenic (1); Uncertain significance (2). 1 of the submissions does not count toward it. Last evaluated 2026-02-01.

Conditions:
Cone-rod dystrophy 7 (CORD7). Identifiers: Orphanet 1872, MedGen C1863634, MONDO:0011355, OMIM 603649.

Allele frequency attached by ClinVar (database versions not stated): gnomAD 0.00006; ExAC 0.00007; TOPMed 0.00009; gnomAD exomes 0.00015.
gnomAD v4.1: 211 of 1,568,210 alleles (0.013%); highest among the groups gnomAD compares: Non-Finnish European, 0.018%; no homozygotes.

Submissions (4):

Labcorp Genetics (formerly Invitae), Labcorp
Classification: Pathogenic. Last evaluated: 2026-02-01. Review status: criteria provided, single submitter. Criteria: Invitae Variant Classification Sherloc (09022015). Collection method: clinical testing. Allele origin: germline.
Comment: This sequence change replaces arginine, which is basic and polar, with histidine, which is basic and polar, at codon 820 of the RIMS1 protein (p.Arg820His). This variant is present in population databases (rs121918302, gnomAD 0.01%). This missense change has been observed in individuals with cone-rod dystrophy and retinitis pigmentosa (PMID: 12659814, 27176872). It has also been observed to segregate with disease in related individuals. This variant is also known as p.Arg844His. ClinVar contains an entry for this variant (Variation ID: 4168). An algorithm developed to predict the effect of missense changes on protein structure and function (PolyPhen-2) suggests that this variant is likely to be disruptive. Experimental studies have shown that this missense change affects RIMS1 function (PMID: 18690027). For these reasons, this variant has been classified as Pathogenic.

Blueprint Genetics
Classification: Uncertain significance. Last evaluated: 2024-11-14. Review status: criteria provided, single submitter. Criteria: ACMG Guidelines, 2015. Collection method: clinical testing. Allele origin: germline.

Revvity Omics, Revvity
Classification: Uncertain significance. Last evaluated: 2022-09-14. Review status: criteria provided, single submitter. Criteria: ACMG Guidelines, 2015. Collection method: clinical testing. Allele origin: germline.

OMIM
Classification: Uncertain significance for RECLASSIFIED - VARIANT OF UNKNOWN SIGNIFICANCE. Last evaluated: 2003-03-01. Review status: no assertion criteria provided. Collection method: literature only. Allele origin: germline. Not counted in ClinVar's aggregate classification.

Literature cited by the submitters: PubMed 12659814 (cited by Labcorp Genetics (formerly Invitae), Labcorp and OMIM); PubMed 27176872 (cited by Labcorp Genetics (formerly Invitae), Labcorp); PubMed 18690027 (cited by Labcorp Genetics (formerly Invitae), Labcorp); PubMed 35947379 (cited by OMIM); PubMed 9634506 (cited by OMIM).